The following is an entry in ClinVar:

ClinVar aggregate classification (germline): Uncertain significance (1 of 4 stars; one submission).

Allele frequency attached by ClinVar (database versions not stated): gnomAD exomes below 0.00001 and 0.00001.

Submission:

Laboratory for Molecular Medicine, Mass General Brigham Personalized Medicine
Classification: Uncertain significance. Last evaluated: 2015-12-22. Review status: criteria provided, single submitter. Criteria: LMM Criteria. Collection method: clinical testing. Allele origin: germline. Observed: 1 variant allele.
Comment: Variant classified as Uncertain Significance - Favor Benign. The p.Asp18Ala vari ant in LRTOMT has not been previously reported in individuals with hearing loss or in large population studies. Computational prediction tools and conservation analyses suggest that the p.Asp18Ala variant may not impact the protein, though this information is not predictive enough to rule out pathogenicity. In summary, while the clinical significance of the Asp18Ala variant is uncertain, these dat a suggest that it is more likely to be benign.

NM_001145308.5(LRTOMT):c.53A>C (p.Asp18Ala)

Gene: LRTOMT (leucine rich transmembrane and O-methyltransferase domain containing; plus strand). Cytogenetic location: 11q13.4.
Variant type: single nucleotide variant.
Coding change: c.53A>C on transcript NM_001145308.5; coding-DNA position 53, A replaced by C.
Protein change: p.Asp18Ala; replaces aspartic acid 18 with alanine.
Molecular consequence: missense variant.
Genome position (GRCh38, 1-based): chr11:72,104,982, A>C. VCF-style: chr11-72104982-A-C. GRCh37 (hg19) VCF-style: chr11-71816028-A-C.
Other names: c.53A>C, p.Asp18Ala (NM_001145309.4, NM_001145310.4); short protein forms D18A.
Identifiers: ClinVar variation 228841 (VCV000228841.4), dbSNP rs876657865, ClinGen allele CA10576895.
Genomic context (GRCh38, chr11:72,104,982, plus strand): 5'-GAAAGCCATTCCAGCCTCCTACCTCAGGGTTATCCCCCGCAGCAGGCCCTGGACTCCCCG[A>C]CCTGTCCTGTGCTCTGGTCCTCCAGCCCAGGTAAGCAGGGCCCTGGATTGTGGGTTCCCA-3'